The following is an entry in ClinVar:

ClinVar aggregate classification (germline): Uncertain significance. Review status: criteria provided, multiple submitters, no conflicts (2 of 4 stars). 2 submissions from 2 submitters: Uncertain significance (2). Last evaluated 2024-09-09.

Conditions:
Tuberous sclerosis 2 (TSC2). Identifiers: Orphanet 805, MedGen C1860707, MONDO:0013199, OMIM 613254.
Hereditary cancer-predisposing syndrome. Also called: Neoplastic Syndromes, Hereditary; Hereditary neoplastic syndrome; Tumor predisposition; Hereditary Cancer Syndrome. Identifiers: Orphanet 140162, MedGen C0027672, MeSH D009386, MONDO:0015356.

Submissions (2):

Labcorp Genetics (formerly Invitae), Labcorp
Classification: Uncertain significance for Tuberous sclerosis 2. Last evaluated: 2024-09-09. Review status: criteria provided, single submitter. Criteria: Invitae Variant Classification Sherloc (09022015). Collection method: clinical testing. Allele origin: germline.
Comment: This sequence change replaces glutamic acid, which is acidic and polar, with alanine, which is neutral and non-polar, at codon 193 of the TSC2 protein (p.Glu193Ala). This variant is not present in population databases (gnomAD no frequency). This variant has not been reported in the literature in individuals affected with TSC2-related conditions. ClinVar contains an entry for this variant (Variation ID: 840262). Invitae Evidence Modeling of protein sequence and biophysical properties (such as structural, functional, and spatial information, amino acid conservation, physicochemical variation, residue mobility, and thermodynamic stability) indicates that this missense variant is not expected to disrupt TSC2 protein function with a negative predictive value of 95%. In summary, the available evidence is currently insufficient to determine the role of this variant in disease. Therefore, it has been classified as a Variant of Uncertain Significance.

Ambry Genetics
Classification: Uncertain significance for Hereditary cancer-predisposing syndrome. Last evaluated: 2024-06-26. Review status: criteria provided, single submitter. Criteria: Ambry Variant Classification Scheme 2023. Collection method: clinical testing. Allele origin: germline.
Comment: The p.E193A variant (also known as c.578A>C), located in coding exon 5 of the TSC2 gene, results from an A to C substitution at nucleotide position 578. The glutamic acid at codon 193 is replaced by alanine, an amino acid with dissimilar properties. This amino acid position is conserved. In addition, the in silico prediction for this alteration is inconclusive. Based on the available evidence, the clinical significance of this variant remains unclear.

NM_000548.5(TSC2):c.578A>C (p.Glu193Ala)

Gene: TSC2 (TSC complex subunit 2; plus strand). Cytogenetic location: 16p13.3.
Variant type: single nucleotide variant.
Coding change: c.578A>C on transcript NM_000548.5 (MANE Select); coding-DNA position 578, A replaced by C.
Protein change: p.Glu193Ala; replaces glutamic acid 193 with alanine.
Molecular consequence: missense variant. On other transcripts: intron variant (1).
Genome position (GRCh38, 1-based): chr16:2,055,498, A>C. VCF-style: chr16-2055498-A-C. GRCh37 (hg19) VCF-style: chr16-2105499-A-C.
Other names: c.578A>C, p.Glu193Ala (NM_001077183.3, NM_001114382.3, NM_001363528.2 and 3 more transcripts); c.467A>C, p.Glu156Ala (NM_001318827.2); c.431A>C, p.Glu144Ala (NM_001318829.2); c.611A>C, p.Glu204Ala (NM_001318832.2); c.-1-698A>C (NM_001318831.2); short protein forms E204A, E144A, E156A, E193A.
Identifiers: ClinVar variation 840262 (VCV000840262.8), dbSNP rs2085672813, ClinGen allele CA394309756.